The following is an entry in ClinVar:

NM_000283.4(PDE6B):c.1060-1G>T

Gene: PDE6B (phosphodiesterase 6B; plus strand). Cytogenetic location: 4p16.3.
Variant type: single nucleotide variant.
Coding change: c.1060-1G>T on transcript NM_000283.4 (MANE Select); the canonical splice acceptor site of the intron before coding-DNA position 1060, G replaced by T.
Molecular consequence: splice acceptor variant. On other transcripts: intron variant (1).
Genome position (GRCh38, 1-based): chr4:656,244, G>T. VCF-style: chr4-656244-G-T. GRCh37 (hg19) VCF-style: chr4-650033-G-T.
Other names: c.1060-1G>T (NM_001145291.2); c.223-1G>T (NM_001379246.1, NM_001379247.1, NM_001145292.2 and 1 more transcripts); c.-48-630G>T (NM_001350155.3).
Identifiers: ClinVar variation 191354 (VCV000191354.5), dbSNP rs863223339, ClinGen allele CA279322.
Genomic context (GRCh38, chr4:656,244, plus strand): 5'-TTTAGATCATAACAGACCTTCCGCTGTTTTGGATGAAATCGTTTTTCTGATGCTTTTTCA[G>T]ATTTGTAACATCATGAATGCTTCCGCTGACGAAATGTTCAAATTTCAGGTATCTGTCTGT-3'

ClinVar aggregate classification (germline): Pathogenic/Likely pathogenic. Review status: criteria provided, multiple submitters, no conflicts (2 of 4 stars). 4 submissions from 4 submitters: Pathogenic (3); Likely pathogenic (1). Last evaluated 2025-10-21.

Conditions:
Retinal dystrophy. Also called: Inherited retinal dystrophy. Identifiers: Orphanet 71862, MedGen C0854723, MeSH D058499, MONDO:0019118, HP:0000556.
Retinitis pigmentosa (RP). Identifiers: Orphanet 791, MedGen C0035334, MeSH D012174, MONDO:0019200, OMIM 268000. Inheritance: Autosomal dominant, autosomal recessive and X linked inheritance.
Retinitis pigmentosa 40 (RP40). Identifiers: Orphanet 791, MedGen C3151107, MONDO:0013429, OMIM 613801.

Submissions (4):

Institute of Human Genetics Munich, TUM University Hospital
Classification: Likely pathogenic for Retinitis pigmentosa 40. Last evaluated: 2025-10-21. Review status: criteria provided, single submitter. Criteria: Classification criteria August 2017. Collection method: clinical testing. Allele origin: inherited. Inheritance: Autosomal recessive inheritance. Affected: yes. Observed: 1 variant allele.

Institute of Human Genetics, Univ. Regensburg, Univ. Regensburg
Classification: Pathogenic for Retinal dystrophy. Last evaluated: 2022-01-01. Review status: criteria provided, single submitter. Criteria: ACMG Guidelines, 2015. Collection method: clinical testing. Allele origin: germline. Affected: yes.

Institute of Medical Genetics and Applied Genomics, University Hospital Tübingen
Classification: Pathogenic. Last evaluated: 2020-10-23. Review status: criteria provided, single submitter. Criteria: ACMG Guidelines, 2015. Collection method: clinical testing. Allele origin: germline. Inheritance: Autosomal unknown. Affected: yes.

Genetics Research Center, University of Social Welfare and Rehabilitation Sciences
Classification: Pathogenic for Retinitis pigmentosa. Last evaluated: 2015-01-01. Review status: criteria provided, single submitter. Criteria: Submitter's publication. Collection method: research. Allele origin: germline. Affected: yes. Observed: 7 variant alleles. Study: Retinitis Pigmentosa.
Comment: Identification of disease-causing mutations in Iranian patients with autosomal recessive retinitis pigmentosa

Literature cited by the submitters: PubMed 26497376 (cited by Institute of Human Genetics, Univ. Regensburg, Univ. Regensburg).